The following is an entry in ClinVar:

NM_015474.4(SAMHD1):c.546G>A (p.Leu182=)

Gene: SAMHD1 (SAM and HD domain containing deoxynucleoside triphosphate triphosphohydrolase 1; minus strand). Cytogenetic location: 20q11.23.
Variant type: single nucleotide variant.
Coding change: c.546G>A on transcript NM_015474.4 (MANE Select); coding-DNA position 546, G replaced by A.
Protein change: p.Leu182=; no amino-acid change (leucine 182 retained).
Molecular consequence: synonymous variant.
Genome position (GRCh38, 1-based): chr20:36,930,839, C>T on the plus strand (G>A on the coding strand, the complement: SAMHD1 is on the minus strand). VCF-style: chr20-36930839-C-T. GRCh37 (hg19) VCF-style: chr20-35559242-C-T.
Other names: c.546G>A, p.Leu182= (NM_001363729.2, NM_001363733.2).
Identifiers: ClinVar variation 946301 (VCV000946301.34), dbSNP rs748150321, ClinGen allele CA9844707.
Genomic context (GRCh38, chr20:36,930,839, plus strand): 5'-AGCAATCTGAACACAGAGAACATCTCGTTCACTTATCTGCAGCTCTGGTTGTTTTTCACC[C>T]AGTGCGTGAACTAGACATCCTGCTAGATACCCCACCCTGCAGAGCAAAAACACAAAAAGT-3'
Protein context (NP_056289.2, residues 172-192): GYLAGCLVHA[Leu182=]GEKQPELQIS

ClinVar aggregate classification (germline): Likely benign. Review status: criteria provided, multiple submitters, no conflicts (2 of 4 stars). 4 submissions from 4 submitters: Likely benign (3). 1 of the submissions does not count toward it. Last evaluated 2024-11-27.

Conditions:
Aicardi-Goutieres syndrome 5. Identifiers: Orphanet 51, MedGen C2749659, MONDO:0013059, OMIM 612952.
Aicardi Goutieres syndrome (AGS). Also called: Encephalopathy, familial infantile, with calcification of basal ganglia and chronic cerebrospinal fluid lymphocytosis. Identifiers: Orphanet 51, MedGen C0393591, MONDO:0018866.

Allele frequency attached by ClinVar (database versions not stated): ExAC 0.00001; gnomAD 0.00001; gnomAD exomes 0.00001; TOPMed 0.00001.
gnomAD v4.1: 13 of 1,613,896 alleles (0.00081%); highest among the groups gnomAD compares: African/African-American, 0.0013%; no homozygotes.

Submissions (4):

Labcorp Genetics (formerly Invitae), Labcorp
Classification: Likely benign for Aicardi-Goutieres syndrome 5. Last evaluated: 2024-11-27. Review status: criteria provided, single submitter. Criteria: Invitae Variant Classification Sherloc (09022015). Collection method: clinical testing. Allele origin: germline.

Blueprint Genetics
Classification: Likely benign. Last evaluated: 2024-06-14. Review status: criteria provided, single submitter. Criteria: ACMG Guidelines, 2015. Collection method: clinical testing. Allele origin: germline.

CeGaT Center for Human Genetics Tuebingen
Classification: Likely benign. Last evaluated: 2023-08-01. Review status: criteria provided, single submitter. Criteria: CeGaT Center For Human Genetics Tuebingen Variant Classification Criteria Version 2. Collection method: clinical testing. Allele origin: germline. Affected: yes. Observed: 1 variant allele.
Comment: SAMHD1: BP4, BP7

Natera, Inc.
Classification: Uncertain significance for Aicardi-Goutieres syndrome. Last evaluated: 2021-01-13. Review status: no assertion criteria provided. Collection method: clinical testing. Allele origin: germline. Not counted in ClinVar's aggregate classification.